The following is an entry in ClinVar:

ClinVar aggregate classification (germline): Uncertain significance (1 of 4 stars; one submission).

gnomAD v4.1: 1 of 1,614,038 alleles (0.000062%); highest among the groups gnomAD compares: Non-Finnish European, 0.000085%; no homozygotes.

Submission:

Ambry Genetics
Classification: Uncertain significance. Last evaluated: 2025-03-05. Review status: criteria provided, single submitter. Criteria: Ambry Variant Classification Scheme 2023. Collection method: clinical testing. Allele origin: germline.
Comment: The p.L48F variant (also known as c.142C>T), located in coding exon 3 of the RPS20 gene, results from a C to T substitution at nucleotide position 142. The leucine at codon 48 is replaced by phenylalanine, an amino acid with highly similar properties. This amino acid position is conserved. In addition, the in silico prediction for this alteration is inconclusive. Based on the available evidence, the clinical significance of this variant remains unclear.

NM_001023.4(RPS20):c.142C>T (p.Leu48Phe)

Gene: RPS20 (ribosomal protein S20; minus strand). Cytogenetic location: 8q12.1.
Variant type: single nucleotide variant.
Coding change: c.142C>T on transcript NM_001023.4 (MANE Select); coding-DNA position 142, C replaced by T.
Protein change: p.Leu48Phe; replaces leucine 48 with phenylalanine.
Molecular consequence: missense variant.
Genome position (GRCh38, 1-based): chr8:56,073,730, G>A on the plus strand (C>T on the coding strand, the complement: RPS20 is on the minus strand). VCF-style: chr8-56073730-G-A. GRCh37 (hg19) VCF-style: chr8-56986289-G-A.
Other names: c.142C>T, p.Leu48Phe (NM_001146227.3); short protein forms L48F.
Identifiers: ClinVar variation 3790512 (VCV003790512.1).